The following is an entry in ClinVar:

NM_002485.5(NBN):c.1708A>G (p.Thr570Ala)

Gene: NBN (nibrin; minus strand). Cytogenetic location: 8q21.3.
Variant type: single nucleotide variant.
Coding change: c.1708A>G on transcript NM_002485.5 (MANE Select); coding-DNA position 1708, A replaced by G.
Protein change: p.Thr570Ala; replaces threonine 570 with alanine.
Molecular consequence: missense variant.
Genome position (GRCh38, 1-based): chr8:89,953,381, T>C on the plus strand (A>G on the coding strand, the complement: NBN is on the minus strand). VCF-style: chr8-89953381-T-C. GRCh37 (hg19) VCF-style: chr8-90965609-T-C.
Other names: p.T570A:ACA>GCA; c.1462A>G, p.Thr488Ala (NM_001024688.3); short protein forms T570A, T488A.
Identifiers: ClinVar variation 182725 (VCV000182725.18), dbSNP rs730881854, ClinGen allele CA299624.
Genomic context (GRCh38, chr8:89,953,381, plus strand): 5'-TAACATTGACATCTTCCTCCTGTTTTTGAACTTTCACATCAATTTCTAACTCTGGTTTTG[T>C]GTCCTTGAATAACTGTTCCAATACTTCATCTTCTATGGCCACATCATCCATTTCCCTTTT-3'
Protein context (NP_002476.2, residues 560-580): DEVLEQLFKD[Thr570Ala]KPELEIDVKV

ClinVar aggregate classification (germline): Conflicting classifications of pathogenicity. Review status: criteria provided, conflicting classifications (1 of 4 stars). 7 submissions from 7 submitters: Uncertain significance (5); Likely benign (1). 1 of the submissions does not count toward it. Last evaluated 2024-12-24.

Conditions:
Hereditary cancer-predisposing syndrome. Also called: Tumor predisposition; Neoplastic Syndromes, Hereditary; Hereditary neoplastic syndrome; Hereditary Cancer Syndrome. Identifiers: Orphanet 140162, MedGen C0027672, MeSH D009386, MONDO:0015356.
Microcephaly, normal intelligence and immunodeficiency (NBS). Also called: SEEMANOVA SYNDROME II; Nijmegen breakage syndrome; Microcephaly with normal intelligence immunodeficiency and lymphoreticular malignancies; Nonsyndromal microcephaly autosomal recessive with normal intelligence; Seemanova syndrome 2; BERLIN BREAKAGE SYNDROME. Identifiers: Orphanet 647, MedGen C0398791, MONDO:0009623, OMIM 251260.

Submissions (7):

Labcorp Genetics (formerly Invitae), Labcorp
Classification: Uncertain significance for Microcephaly, normal intelligence and immunodeficiency. Last evaluated: 2024-12-24. Review status: criteria provided, single submitter. Criteria: Invitae Variant Classification Sherloc (09022015). Collection method: clinical testing. Allele origin: germline.
Comment: This sequence change replaces threonine, which is neutral and polar, with alanine, which is neutral and non-polar, at codon 570 of the NBN protein (p.Thr570Ala). This variant is not present in population databases (gnomAD no frequency). This variant has not been reported in the literature in individuals affected with NBN-related conditions. ClinVar contains an entry for this variant (Variation ID: 182725). An algorithm developed to predict the effect of missense changes on protein structure and function outputs the following: PolyPhen-2: "Benign". The alanine amino acid residue is found in multiple mammalian species, which suggests that this missense change does not adversely affect protein function. In summary, the available evidence is currently insufficient to determine the role of this variant in disease. Therefore, it has been classified as a Variant of Uncertain Significance.

Quest Diagnostics Nichols Institute San Juan Capistrano
Classification: Uncertain significance. Last evaluated: 2024-11-14. Review status: criteria provided, single submitter. Criteria: Quest Diagnostics criteria. Collection method: clinical testing. Allele origin: unknown.
Comment: The NBN c.1708A>G (p.Thr570Ala) variant has not been reported in individuals with NBN-related conditions in the published literature. It also has not been reported in large, multi-ethnic general populations (Genome Aggregation Database). Analysis of this variant using bioinformatics tools for the prediction of the effect of amino acid changes on protein structure and function yielded predictions that this variant is benign. Based on the available information, we are unable to determine the clinical significance of this variant.

Blueprint Genetics
Classification: Likely benign. Last evaluated: 2024-01-29. Review status: criteria provided, single submitter. Criteria: ACMG Guidelines, 2015. Collection method: clinical testing. Allele origin: germline.

Ambry Genetics
Classification: Uncertain significance for Hereditary cancer-predisposing syndrome. Last evaluated: 2023-12-11. Review status: criteria provided, single submitter. Criteria: Ambry Variant Classification Scheme 2023. Collection method: clinical testing. Allele origin: germline.
Comment: The p.T570A variant (also known as c.1708A>G), located in coding exon 11 of the NBN gene, results from an A to G substitution at nucleotide position 1708. The threonine at codon 570 is replaced by alanine, an amino acid with similar properties. This amino acid position is not well conserved in available vertebrate species. In addition, this alteration is predicted to be tolerated by in silico analysis. Since supporting evidence is limited at this time, the clinical significance of this alteration remains unclear.

Genome-Nilou Lab
Classification: Uncertain significance for Microcephaly, normal intelligence and immunodeficiency. Last evaluated: 2021-11-07. Review status: criteria provided, single submitter. Criteria: ACMG Guidelines, 2015. Collection method: clinical testing. Allele origin: germline. Affected: no.

GeneDx
Classification: Uncertain significance. Last evaluated: 2019-01-09. Review status: criteria provided, single submitter. Criteria: GeneDx Variant Classification (06012015). Collection method: clinical testing. Allele origin: germline. Affected: yes.
Comment: This variant is denoted NBN c.1708A>G at the cDNA level, p.Thr570Ala (T570A) at the protein level, and results in the change of a Threonine to an Alanine (ACA>GCA). This variant has not, to our knowledge, been published in the literature as pathogenic or benign. NBN Thr570Ala was not observed in approximately 6,500 individuals of European and African American ancestry in the NHLBI Exome Sequencing Project, indicating it is not a common benign variant in these populations. Since Threonine and Alanine differ in polarity, charge, size or other properties, this is considered a non-conservative amino acid substitution. NBN Thr570Ala occurs at a position that is variable across species and is not located in a known functional domain. In silico analyses predict that this variant is unlikely to alter protein structure or function. Based on currently available information, it is unclear whether NBN Thr570Ala is pathogenic or benign. We consider it to be a variant of uncertain significance.

Natera, Inc.
Classification: Uncertain significance for Nijmegen breakage syndrome. Last evaluated: 2025-05-14. Review status: no assertion criteria provided. Collection method: clinical testing. Allele origin: germline. Not counted in ClinVar's aggregate classification.